The following is an entry in ClinVar:

NM_001113491.2(SEPTIN9):c.162C>G (p.Ala54=)

Gene: SEPTIN9 (septin 9; plus strand). Cytogenetic location: 17q25.3.
Variant type: single nucleotide variant.
Coding change: c.162C>G on transcript NM_001113491.2 (MANE Select); coding-DNA position 162, C replaced by G.
Protein change: p.Ala54=; no amino-acid change (alanine 54 retained).
Molecular consequence: synonymous variant. On other transcripts: 5 prime UTR variant (2).
Genome position (GRCh38, 1-based): chr17:77,402,144, C>G. VCF-style: chr17-77402144-C-G. GRCh37 (hg19) VCF-style: chr17-75398226-C-G.
Other names: c.-331C>G (NM_001113492.2, NM_001113494.1); c.141C>G, p.Ala47= (NM_001113493.2); c.105C>G, p.Ala35= (NM_001293695.2); c.108C>G, p.Ala36= (NM_006640.5).
Identifiers: ClinVar variation 3052371 (VCV003052371.5), dbSNP rs200161455, ClinGen allele CA8793135.

ClinVar aggregate classification (germline): Likely benign. Review status: criteria provided, multiple submitters, no conflicts (2 of 4 stars). 3 submissions from 3 submitters: Likely benign (2). 1 of the submissions does not count toward it. Last evaluated 2024-06-09.

Conditions:
SEPTIN9-related disorder. Also called: SEPTIN9-related condition.

Allele frequency attached by ClinVar (database versions not stated): gnomAD exomes 0.00001; TOPMed 0.00001; ExAC 0.00002; gnomAD 0.00002; 1000 Genomes Project 30x 0.00016; 1000 Genomes Project 0.00020.
gnomAD v4.1: 20 of 1,613,954 alleles (0.0012%); highest among the groups gnomAD compares: Middle Eastern, 0.033%; no homozygotes.

Submissions (3):

Labcorp Genetics (formerly Invitae), Labcorp
Classification: Likely benign. Last evaluated: 2024-06-09. Review status: criteria provided, single submitter. Criteria: Invitae Variant Classification Sherloc (09022015). Collection method: clinical testing. Allele origin: germline.

Breakthrough Genomics
Classification: Likely benign. Review status: criteria provided, single submitter. Criteria: ACMG Guidelines, 2015. Collection method: not provided. Allele origin: germline. Inheritance: Autosomal dominant inheritance. Affected: yes.

PreventionGenetics, part of Exact Sciences
Classification: Likely benign for SEPTIN9-related condition. Last evaluated: 2019-08-15. Review status: no assertion criteria provided. Collection method: clinical testing. Allele origin: germline. Not counted in ClinVar's aggregate classification.
Comment: This variant is classified as likely benign based on ACMG/AMP sequence variant interpretation guidelines (Richards et al. 2015 PMID: 25741868, with internal and published modifications).